The following is an entry in ClinVar:

ClinVar aggregate classification (germline): Likely benign (1 of 4 stars; one submission).

Allele frequency attached by ClinVar (database versions not stated): TOPMed below 0.00001; gnomAD 0.00001.
gnomAD v4.1: 8 of 1,609,778 alleles (0.0005%); highest among the groups gnomAD compares: East Asian, 0.0022%; no homozygotes.

Submission:

CeGaT Center for Human Genetics Tuebingen
Classification: Likely benign. Last evaluated: 2022-09-01. Review status: criteria provided, single submitter. Criteria: CeGaT Center For Human Genetics Tuebingen Variant Classification Criteria Version 2. Collection method: clinical testing. Allele origin: germline. Affected: yes. Observed: 1 variant allele.
Comment: NYAP1: BP4, BP7

NM_173564.4(NYAP1):c.1614G>A (p.Pro538=)

Gene: NYAP1 (neuronal tyrosine phosphorylated phosphoinositide-3-kinase adaptor 1; plus strand). Cytogenetic location: 7q22.1.
Variant type: single nucleotide variant.
Coding change: c.1614G>A on transcript NM_173564.4 (MANE Select); coding-DNA position 1614, G replaced by A.
Protein change: p.Pro538=; no amino-acid change (proline 538 retained).
Molecular consequence: synonymous variant.
Genome position (GRCh38, 1-based): chr7:100,489,335, G>A. VCF-style: chr7-100489335-G-A. GRCh37 (hg19) VCF-style: chr7-100086958-G-A.
Identifiers: ClinVar variation 2657749 (VCV002657749.24), dbSNP rs765270718, ClinGen allele CA4383125.